The following is an entry in ClinVar:

NM_006015.6(ARID1A):c.2763G>A (p.Gly921=)

Gene: ARID1A (AT-rich interaction domain 1A; plus strand). Cytogenetic location: 1p36.11.
Variant type: single nucleotide variant.
Coding change: c.2763G>A on transcript NM_006015.6 (MANE Select); coding-DNA position 2763, G replaced by A.
Protein change: p.Gly921=; no amino-acid change (glycine 921 retained).
Molecular consequence: synonymous variant.
Genome position (GRCh38, 1-based): chr1:26,766,251, G>A. VCF-style: chr1-26766251-G-A. GRCh37 (hg19) VCF-style: chr1-27092742-G-A.
Other names: c.2763G>A, p.Gly921= (NM_139135.4).
Identifiers: ClinVar variation 2164550 (VCV002164550.9), dbSNP rs566622718, ClinGen allele CA707071.
Genomic context (GRCh38, chr1:26,766,251, plus strand): 5'-GTCTCTCTCACTTTCCATCTTCTTCCTTAGGCCGCCAGGCTACCCCAATATGAATCAAGG[G>A]GGCATGATGGGAACTGGACCTCCTTATGGACAAGGGATTAATAGTATGGCTGGCATGATC-3'
Protein context (NP_006006.3, residues 911-931): RPPGYPNMNQ[Gly921=]GMMGTGPPYG

ClinVar aggregate classification (germline): Benign/Likely benign. Review status: criteria provided, multiple submitters, no conflicts (2 of 4 stars). 3 submissions from 3 submitters: Benign (1); Likely benign (2). Last evaluated 2026-03-01.

Conditions:
ARID1A-related disorder. Also called: ARID1A-related condition.

Allele frequency attached by ClinVar (database versions not stated): 1000 Genomes Project 0.00020; 1000 Genomes Project 30x 0.00031; ExAC 0.00044.
gnomAD v4.1: 437 of 1,613,964 alleles (0.027%); highest among the groups gnomAD compares: South Asian, 0.3%; 4 homozygotes.

Submissions (3):

CeGaT Center for Human Genetics Tuebingen
Classification: Likely benign. Last evaluated: 2026-03-01. Review status: criteria provided, single submitter. Criteria: CeGaT Center For Human Genetics Tuebingen Variant Classification Criteria Version 2. Collection method: clinical testing. Allele origin: germline. Affected: yes. Observed: 1 variant allele.
Comment: ARID1A: BP4, BP7

PreventionGenetics, part of Exact Sciences
Classification: Likely benign for ARID1A-related condition. Last evaluated: 2026-02-11. Review status: criteria provided, single submitter. Criteria: ACMG Guidelines, 2015. Collection method: clinical testing. Allele origin: germline.
Comment: This variant is classified as likely benign based on ACMG/AMP sequence variant interpretation guidelines (Richards et al. 2015 PMID: 25741868, with internal and published modifications).

Labcorp Genetics (formerly Invitae), Labcorp
Classification: Benign. Last evaluated: 2026-01-12. Review status: criteria provided, single submitter. Criteria: Invitae Variant Classification Sherloc (09022015). Collection method: clinical testing. Allele origin: germline.